The following is an entry in ClinVar:

NM_000535.7(PMS2):c.1540C>T (p.His514Tyr)

Gene: PMS2 (PMS1 homolog 2, mismatch repair system component; minus strand). Cytogenetic location: 7p22.1.
Variant type: single nucleotide variant.
Coding change: c.1540C>T on transcript NM_000535.7 (MANE Select); coding-DNA position 1540, C replaced by T.
Protein change: p.His514Tyr; replaces histidine 514 with tyrosine.
Molecular consequence: missense variant. On other transcripts: non-coding transcript variant (1).
Genome position (GRCh38, 1-based): chr7:5,987,225, G>A on the plus strand (C>T on the coding strand, the complement: PMS2 is on the minus strand). VCF-style: chr7-5987225-G-A. GRCh37 (hg19) VCF-style: chr7-6026856-G-A.
Other names: c.1135C>T, p.His379Tyr (NM_001322003.2, NM_001322004.2, NM_001322005.2 and 1 more transcripts); c.1384C>T, p.His462Tyr (NM_001322006.2); c.1222C>T, p.His408Tyr (NM_001322007.2, NM_001322008.2); c.979C>T, p.His327Tyr (NM_001322010.2); c.607C>T, p.His203Tyr (NM_001322011.2, NM_001322012.2); c.967C>T, p.His323Tyr (NM_001322013.2); c.1540C>T, p.His514Tyr (NM_001322014.2); c.1231C>T, p.His411Tyr (NM_001322015.2); short protein forms H514Y, H203Y, H379Y, H323Y, H327Y, H408Y, H411Y, H462Y.
Identifiers: ClinVar variation 237888 (VCV000237888.16), dbSNP rs878854036, ClinGen allele CA10582508.

ClinVar aggregate classification (germline): Uncertain significance. Review status: criteria provided, multiple submitters, no conflicts (2 of 4 stars). 3 submissions from 3 submitters: Uncertain significance (3). Last evaluated 2025-11-25.

Conditions:
Hereditary nonpolyposis colorectal neoplasms. Identifiers: MedGen C0009405, MeSH D003123.
Hereditary cancer-predisposing syndrome. Also called: Neoplastic Syndromes, Hereditary; Hereditary neoplastic syndrome; Tumor predisposition; Hereditary Cancer Syndrome. Identifiers: Orphanet 140162, MedGen C0027672, MeSH D009386, MONDO:0015356.

Allele frequency attached by ClinVar (database versions not stated): gnomAD exomes below 0.00001.
gnomAD v4.1: 1 of 1,614,074 alleles (0.000062%); highest among the groups gnomAD compares: Non-Finnish European, 0.000085%; no homozygotes.

Submissions (3):

Ambry Genetics
Classification: Uncertain significance for Hereditary cancer-predisposing syndrome. Last evaluated: 2025-11-25. Review status: criteria provided, single submitter. Criteria: Ambry Variant Classification Scheme 2023. Collection method: clinical testing. Allele origin: germline.
Comment: The p.H514Y variant (also known as c.1540C>T), located in coding exon 11 of the PMS2 gene, results from a C to T substitution at nucleotide position 1540. The histidine at codon 514 is replaced by tyrosine, an amino acid with similar properties. This amino acid position is not well conserved in available vertebrate species. In addition, this alteration is predicted to be tolerated by in silico analysis. Since supporting evidence is limited at this time, the clinical significance of this alteration remains unclear.

Labcorp Genetics (formerly Invitae), Labcorp
Classification: Uncertain significance for Hereditary nonpolyposis colorectal neoplasms. Last evaluated: 2023-06-09. Review status: criteria provided, single submitter. Criteria: Invitae Variant Classification Sherloc (09022015). Collection method: clinical testing. Allele origin: germline.
Comment: ClinVar contains an entry for this variant (Variation ID: 237888). In summary, the available evidence is currently insufficient to determine the role of this variant in disease. Therefore, it has been classified as a Variant of Uncertain Significance. Advanced modeling of protein sequence and biophysical properties (such as structural, functional, and spatial information, amino acid conservation, physicochemical variation, residue mobility, and thermodynamic stability) performed at Invitae indicates that this missense variant is not expected to disrupt PMS2 protein function. This variant has not been reported in the literature in individuals affected with PMS2-related conditions. This variant is not present in population databases (gnomAD no frequency). This sequence change replaces histidine, which is basic and polar, with tyrosine, which is neutral and polar, at codon 514 of the PMS2 protein (p.His514Tyr).

Women's Health and Genetics/Laboratory Corporation of America, LabCorp
Classification: Uncertain significance. Last evaluated: 2022-03-07. Review status: criteria provided, single submitter. Criteria: LabCorp Variant Classification Summary - May 2015. Collection method: clinical testing. Allele origin: germline.
Comment: Variant summary: PMS2 c.1540C>T (p.His514Tyr) results in a conservative amino acid change in the encoded protein sequence. Five of five in-silico tools predict a benign effect of the variant on protein function. The variant was absent in 251264 control chromosomes (gnomAD). The available data on variant occurrences in the general population are insufficient to allow any conclusion about variant significance. c.1540C>T has been reported in the literature in an individual affected with lynch syndrome and related cancer without evidence for causality (example: Li_2020 and Dorling_2021). This report does not provide unequivocal conclusions about association of the variant with Lynch Syndrome. To our knowledge, no experimental evidence demonstrating an impact on protein function has been reported. Two clinical diagnostic laboratories have submitted clinical-significance assessments for this variant to ClinVar after 2014 and all laboratories classified the variant as uncertain significance. Based on the evidence outlined above, the variant was classified as uncertain significance.

Literature cited by the submitters: PubMed 31391288 (cited by Women's Health and Genetics/Laboratory Corporation of America, LabCorp); PubMed 33471991 (cited by Women's Health and Genetics/Laboratory Corporation of America, LabCorp).